The following is an entry in ClinVar:

NM_032043.3(BRIP1):c.202A>G (p.Ser68Gly)

Gene: BRIP1 (BRCA1 interacting DNA helicase 1; minus strand). Cytogenetic location: 17q23.2.
Variant type: single nucleotide variant.
Coding change: c.202A>G on transcript NM_032043.3 (MANE Select); coding-DNA position 202, A replaced by G.
Protein change: p.Ser68Gly; replaces serine 68 with glycine.
Molecular consequence: missense variant.
Genome position (GRCh38, 1-based): chr17:61,859,799, T>C on the plus strand (A>G on the coding strand, the complement: BRIP1 is on the minus strand). VCF-style: chr17-61859799-T-C. GRCh37 (hg19) VCF-style: chr17-59937160-T-C.
Other names: short protein forms S68G.
Identifiers: ClinVar variation 2948812 (VCV002948812.3), dbSNP rs2545471187, ClinGen allele CA400485649.
Genomic context (GRCh38, chr17:61,859,799, plus strand): 5'-GTATTATATTTTCTCAGATCCCAGTAAGTAACCTGAAGATATCAAGCAACTACTTACCAC[T>C]AAGAGATTGTTGCCATGCTAAAGCAGAACAAAGTAAGGCTAAGCTTTTTCCACTTCCTGT-3'
Protein context (NP_114432.2, residues 58-78): CSALAWQQSL[Ser68Gly]GKPADEGVSE

ClinVar aggregate classification (germline): Uncertain significance (1 of 4 stars; one submission).

Conditions:
Fanconi anemia complementation group J. Also called: BRIP1-Related Fanconi Anemia. Identifiers: Orphanet 84, MedGen C1836860, MONDO:0012187, OMIM 609054.
Familial cancer of breast. Also called: BREAST CANCER, FAMILIAL; Hereditary breast cancer; hereditary breast carcinoma. Identifiers: Orphanet 227535, MedGen C0346153, MONDO:0016419, OMIM 114480. Disease mechanism: loss of function.

Allele frequency attached by ClinVar (database versions not stated): gnomAD exomes below 0.00001.
gnomAD v4.1: 2 of 1,606,486 alleles (0.00012%); highest among the groups gnomAD compares: East Asian, 0.0045%; no homozygotes.

Submission:

Labcorp Genetics (formerly Invitae), Labcorp
Classification: Uncertain significance for Familial cancer of breast; Fanconi anemia complementation group J. Last evaluated: 2024-10-03. Review status: criteria provided, single submitter. Criteria: Invitae Variant Classification Sherloc (09022015). Collection method: clinical testing. Allele origin: germline.
Comment: This sequence change replaces serine, which is neutral and polar, with glycine, which is neutral and non-polar, at codon 68 of the BRIP1 protein (p.Ser68Gly). This variant is not present in population databases (gnomAD no frequency). This variant has not been reported in the literature in individuals affected with BRIP1-related conditions. Invitae Evidence Modeling of protein sequence and biophysical properties (such as structural, functional, and spatial information, amino acid conservation, physicochemical variation, residue mobility, and thermodynamic stability) indicates that this missense variant is not expected to disrupt BRIP1 protein function with a negative predictive value of 95%. In summary, the available evidence is currently insufficient to determine the role of this variant in disease. Therefore, it has been classified as a Variant of Uncertain Significance.